The following is an entry in ClinVar:

ClinVar aggregate classification (germline): Uncertain significance (1 of 4 stars; one submission).

Conditions:
Hereditary cancer-predisposing syndrome. Also called: Hereditary Cancer Syndrome; Tumor predisposition; Hereditary neoplastic syndrome; Neoplastic Syndromes, Hereditary. Identifiers: Orphanet 140162, MedGen C0027672, MeSH D009386, MONDO:0015356.

Submission:

Ambry Genetics
Classification: Uncertain significance for Hereditary cancer-predisposing syndrome. Last evaluated: 2024-10-23. Review status: criteria provided, single submitter. Criteria: Ambry Variant Classification Scheme 2023. Collection method: clinical testing. Allele origin: germline.
Comment: The p.L264I variant (also known as c.790C>A), located in coding exon 4 of the MEN1 gene, results from a C to A substitution at nucleotide position 790. The leucine at codon 264 is replaced by isoleucine, an amino acid with highly similar properties. This amino acid position is conserved. In addition, this alteration is predicted to be deleterious by in silico analysis. Based on the available evidence, the clinical significance of this variant remains unclear.

NM_001370259.2(MEN1):c.790C>A (p.Leu264Ile)

Gene: MEN1 (menin 1; minus strand). Cytogenetic location: 11q13.1.
Variant type: single nucleotide variant.
Coding change: c.790C>A on transcript NM_001370259.2 (MANE Select); coding-DNA position 790, C replaced by A.
Protein change: p.Leu264Ile; replaces leucine 264 with isoleucine.
Molecular consequence: missense variant. On other transcripts: non-coding transcript variant (4).
Genome position (GRCh38, 1-based): chr11:64,807,213, G>T on the plus strand (C>A on the coding strand, the complement: MEN1 is on the minus strand). VCF-style: chr11-64807213-G-T. GRCh37 (hg19) VCF-style: chr11-64574685-G-T.
Other names: c.805C>A, p.Leu269Ile (NM_000244.4, NM_001407145.1, NM_001407150.1 and 5 more transcripts); c.790C>A, p.Leu264Ile (NM_001370251.2, NM_001370260.2, NM_001370261.2 and 7 more transcripts); c.685C>A, p.Leu229Ile (NM_001370262.2, NM_001370263.2, NM_001407148.1 and 2 more transcripts); short protein forms L229I, L264I, L269I.
Identifiers: ClinVar variation 3394985 (VCV003394985.1).